The following is an entry in ClinVar:

NM_018943.3(TUBA8):c.1324G>A (p.Glu442Lys)

Gene: TUBA8 (tubulin alpha 8; plus strand). Cytogenetic location: 22q11.21.
Variant type: single nucleotide variant.
Coding change: c.1324G>A on transcript NM_018943.3 (MANE Select); coding-DNA position 1324, G replaced by A.
Protein change: p.Glu442Lys; replaces glutamic acid 442 with lysine.
Molecular consequence: missense variant.
Genome position (GRCh38, 1-based): chr22:18,131,110, G>A. VCF-style: chr22-18131110-G-A. GRCh37 (hg19) VCF-style: chr22-18613877-G-A.
Other names: c.1126G>A, p.Glu376Lys (NM_001193414.2); c.1324G>A (NM_018943.2); short protein forms E376K, E442K.
Identifiers: ClinVar variation 3713110 (VCV003713110.3).
Genomic context (GRCh38, chr22:18,131,110, plus strand): 5'-AGGGAAGACTTAGCTGCCCTGGAGAAGGATTATGAAGAAGTGGGGACTGATTCGTTTGAA[G>A]AAGAAAATGAAGGGGAGGAATTTTAAATATATACCTTCCCCTTGGCTGTGTCTCTTTATT-3'
Protein context (NP_061816.1, residues 432-449): YEEVGTDSFE[Glu442Lys]ENEGEEF

ClinVar aggregate classification (germline): Uncertain significance. Review status: criteria provided, multiple submitters, no conflicts (2 of 4 stars). 2 submissions from 2 submitters: Uncertain significance (2). Last evaluated 2025-10-18.

gnomAD v4.1: 2 of 1,614,032 alleles (0.00012%); highest among the groups gnomAD compares: African/African-American, 0.0013%; no homozygotes.

Submissions (2):

Ambry Genetics
Classification: Uncertain significance. Last evaluated: 2025-10-18. Review status: criteria provided, single submitter. Criteria: Ambry Variant Classification Scheme 2023. Collection method: clinical testing. Allele origin: germline.

Labcorp Genetics (formerly Invitae), Labcorp
Classification: Uncertain significance. Last evaluated: 2024-09-03. Review status: criteria provided, single submitter. Criteria: Invitae Variant Classification Sherloc (09022015). Collection method: clinical testing. Allele origin: germline.
Comment: This sequence change replaces glutamic acid, which is acidic and polar, with lysine, which is basic and polar, at codon 442 of the TUBA8 protein (p.Glu442Lys). This variant is not present in population databases (gnomAD no frequency). This variant has not been reported in the literature in individuals affected with TUBA8-related conditions. Experimental studies and prediction algorithms are not available or were not evaluated, and the functional significance of this variant is currently unknown. In summary, the available evidence is currently insufficient to determine the role of this variant in disease. Therefore, it has been classified as a Variant of Uncertain Significance.